The following is an entry in ClinVar:

ClinVar aggregate classification (germline): Likely benign. Review status: criteria provided, single submitter (1 of 4 stars). 2 submissions from 2 submitters: Likely benign (1). 1 of the submissions does not count toward it. Last evaluated 2023-07-19.

Conditions:
NADSYN1-related disorder. Also called: NADSYN1-related condition.

Allele frequency attached by ClinVar (database versions not stated): gnomAD exomes 0.00003; ExAC 0.00009; ESP Exome Variant Server 0.00023; TOPMed 0.00023; gnomAD 0.00028; 1000 Genomes Project 30x 0.00031; 1000 Genomes Project 0.00040.
gnomAD v4.1: 89 of 1,613,794 alleles (0.0055%); highest among the groups gnomAD compares: African/African-American, 0.1%; 3 homozygotes.

Submissions (2):

Blueprint Genetics
Classification: Likely benign. Last evaluated: 2023-07-19. Review status: criteria provided, single submitter. Criteria: ACMG Guidelines, 2015. Collection method: clinical testing. Allele origin: germline.

PreventionGenetics, part of Exact Sciences
Classification: Likely benign for NADSYN1-related condition. Last evaluated: 2021-02-21. Review status: no assertion criteria provided. Collection method: clinical testing. Allele origin: germline. Not counted in ClinVar's aggregate classification.
Comment: This variant is classified as likely benign based on ACMG/AMP sequence variant interpretation guidelines (Richards et al. 2015 PMID: 25741868, with internal and published modifications).

NM_018161.5(NADSYN1):c.1695-7G>T

Gene: NADSYN1 (NAD synthetase 1; plus strand). Cytogenetic location: 11q13.4.
Variant type: single nucleotide variant.
Coding change: c.1695-7G>T on transcript NM_018161.5 (MANE Select); 7 bases into the intron before coding-DNA position 1695, G replaced by T.
Molecular consequence: intron variant.
Genome position (GRCh38, 1-based): chr11:71,491,827, G>T. VCF-style: chr11-71491827-G-T. GRCh37 (hg19) VCF-style: chr11-71202873-G-T.
Identifiers: ClinVar variation 3055222 (VCV003055222.3), dbSNP rs147894575, ClinGen allele CA6163608.